The following is an entry in ClinVar:

ClinVar aggregate classification (germline): Uncertain significance (1 of 4 stars; one submission).

Allele frequency attached by ClinVar (database versions not stated): gnomAD exomes below 0.00001; gnomAD 0.00002; TOPMed 0.00002.
gnomAD v4.1: 7 of 1,613,432 alleles (0.00043%); highest among the groups gnomAD compares: African/African-American, 0.0067%; no homozygotes.

Submission:

Labcorp Genetics (formerly Invitae), Labcorp
Classification: Uncertain significance. Last evaluated: 2023-11-12. Review status: criteria provided, single submitter. Criteria: Invitae Variant Classification Sherloc (09022015). Collection method: clinical testing. Allele origin: germline.
Comment: This sequence change replaces alanine, which is neutral and non-polar, with threonine, which is neutral and polar, at codon 745 of the SCN3A protein (p.Ala745Thr). This variant is present in population databases (no rsID available, gnomAD 0.01%). This variant has not been reported in the literature in individuals affected with SCN3A-related conditions. ClinVar contains an entry for this variant (Variation ID: 2054301). Advanced modeling of protein sequence and biophysical properties (such as structural, functional, and spatial information, amino acid conservation, physicochemical variation, residue mobility, and thermodynamic stability) performed at Invitae indicates that this missense variant is not expected to disrupt SCN3A protein function with a negative predictive value of 95%. In summary, the available evidence is currently insufficient to determine the role of this variant in disease. Therefore, it has been classified as a Variant of Uncertain Significance.

NM_006922.4(SCN3A):c.2233G>A (p.Ala745Thr)

Gene: SCN3A (sodium voltage-gated channel alpha subunit 3; minus strand). Cytogenetic location: 2q24.3.
Variant type: single nucleotide variant.
Coding change: c.2233G>A on transcript NM_006922.4 (MANE Select); coding-DNA position 2233, G replaced by A.
Protein change: p.Ala745Thr; replaces alanine 745 with threonine.
Molecular consequence: missense variant.
Genome position (GRCh38, 1-based): chr2:165,138,037, C>T on the plus strand (G>A on the coding strand, the complement: SCN3A is on the minus strand). VCF-style: chr2-165138037-C-T. GRCh37 (hg19) VCF-style: chr2-165994547-C-T.
Other names: c.2086G>A, p.Ala696Thr (NM_001081676.2, NM_001081677.2); short protein forms A696T, A745T.
Identifiers: ClinVar variation 2054301 (VCV002054301.4), dbSNP rs1271683392, ClinGen allele CA349045292.